The following is an entry in ClinVar:

ClinVar aggregate classification (germline): Uncertain significance (1 of 4 stars; one submission).

Conditions:
Dilated cardiomyopathy 1DD (CMD1DD). Identifiers: Orphanet 154, MedGen C2750995, MONDO:0013168, OMIM 613172.

gnomAD v4.1: 1 of 1,499,774 alleles (0.000067%); no homozygotes.

Submission:

Labcorp Genetics (formerly Invitae), Labcorp
Classification: Uncertain significance for Dilated cardiomyopathy 1DD. Last evaluated: 2024-03-03. Review status: criteria provided, single submitter. Criteria: Invitae Variant Classification Sherloc (09022015). Collection method: clinical testing. Allele origin: germline.
Comment: This sequence change affects codon 509 of the RBM20 mRNA. It is a 'silent' change, meaning that it does not change the encoded amino acid sequence of the RBM20 protein. It affects a nucleotide within the consensus splice site. This variant is present in population databases (rs759961194, gnomAD 0.005%). This variant has not been reported in the literature in individuals affected with RBM20-related conditions. Algorithms developed to predict the effect of sequence changes on RNA splicing suggest that this variant is not likely to affect RNA splicing. In summary, the available evidence is currently insufficient to determine the role of this variant in disease. Therefore, it has been classified as a Variant of Uncertain Significance.

NM_001134363.3(RBM20):c.1527T>C (p.Thr509=)

Gene: RBM20 (RNA binding motif protein 20; plus strand). Cytogenetic location: 10q25.2.
Variant type: single nucleotide variant.
Coding change: c.1527T>C on transcript NM_001134363.3 (MANE Select); coding-DNA position 1527, T replaced by C.
Protein change: p.Thr509=; no amino-acid change (threonine 509 retained).
Molecular consequence: synonymous variant.
Genome position (GRCh38, 1-based): chr10:110,784,889, T>C. VCF-style: chr10-110784889-T-C. GRCh37 (hg19) VCF-style: chr10-112544647-T-C.
Identifiers: ClinVar variation 3672950 (VCV003672950.2).